The following is an entry in ClinVar:

ClinVar aggregate classification (germline): Likely benign. Review status: criteria provided, single submitter (1 of 4 stars). 2 submissions from 2 submitters: Likely benign (1). 1 of the submissions does not count toward it. Last evaluated 2025-08-01.

Conditions:
SELENBP1-related disorder. Also called: SELENBP1-related condition.

Allele frequency attached by ClinVar (database versions not stated): gnomAD 0.00101; TOPMed 0.00105; ESP Exome Variant Server 0.00138; 1000 Genomes Project 0.00140; 1000 Genomes Project 30x 0.00141; ExAC 0.00322.
gnomAD v4.1: 2,565 of 1,599,462 alleles (0.16%); highest among the groups gnomAD compares: Non-Finnish European, 0.19%; 6 homozygotes.

Submissions (2):

CeGaT Center for Human Genetics Tuebingen
Classification: Likely benign. Last evaluated: 2025-08-01. Review status: criteria provided, single submitter. Criteria: CeGaT Center For Human Genetics Tuebingen Variant Classification Criteria Version 2. Collection method: clinical testing. Allele origin: germline. Affected: yes. Observed: 1 variant allele.
Comment: SELENBP1: BP4

PreventionGenetics, part of Exact Sciences
Classification: Likely benign for SELENBP1-related condition. Last evaluated: 2019-03-14. Review status: no assertion criteria provided. Collection method: clinical testing. Allele origin: germline. Not counted in ClinVar's aggregate classification.
Comment: This variant is classified as likely benign based on ACMG/AMP sequence variant interpretation guidelines (Richards et al. 2015 PMID: 25741868, with internal and published modifications).

NM_003944.4(SELENBP1):c.62-6G>A

Gene: SELENBP1 (selenium binding protein 1; minus strand). Cytogenetic location: 1q21.3.
Variant type: single nucleotide variant.
Coding change: c.62-6G>A on transcript NM_003944.4 (MANE Select); 6 bases into the intron before coding-DNA position 62, G replaced by A.
Molecular consequence: intron variant.
Genome position (GRCh38, 1-based): chr1:151,369,560, C>T on the plus strand (G>A on the coding strand, the complement: SELENBP1 is on the minus strand). VCF-style: chr1-151369560-C-T. GRCh37 (hg19) VCF-style: chr1-151342036-C-T.
Other names: c.62-6G>A (NM_001258288.2); c.188-6G>A (NM_001258289.2).
Identifiers: ClinVar variation 3041844 (VCV003041844.10), dbSNP rs199870911, ClinGen allele CA1090475.